The following is an entry in ClinVar:

NM_025114.4(CEP290):c.5337C>T (p.Ile1779=)

Gene: CEP290 (centrosomal protein 290; minus strand). Cytogenetic location: 12q21.32.
Variant type: single nucleotide variant.
Coding change: c.5337C>T on transcript NM_025114.4 (MANE Select); coding-DNA position 5337, C replaced by T.
Protein change: p.Ile1779=; no amino-acid change (isoleucine 1779 retained).
Molecular consequence: synonymous variant.
Genome position (GRCh38, 1-based): chr12:88,079,119, G>A on the plus strand (C>T on the coding strand, the complement: CEP290 is on the minus strand). VCF-style: chr12-88079119-G-A. GRCh37 (hg19) VCF-style: chr12-88472896-G-A.
Other names: c.5337C>T (NM_025114.3).
Identifiers: ClinVar variation 1533207 (VCV001533207.9), dbSNP rs1367796637, ClinGen allele CA481075285.

ClinVar aggregate classification (germline): Likely benign. Review status: criteria provided, single submitter (1 of 4 stars). 2 submissions from 2 submitters: Likely benign (1). 1 of the submissions does not count toward it. Last evaluated 2026-01-28.

Conditions:
CEP290-related disorder. Also called: CEP290-related disorders; CEP290-related condition. Identifiers: MedGen CN239314.
Nephronophthisis. Also called: Juvenile Nephronophthisis. Identifiers: Orphanet 655, MedGen C0687120, MONDO:0019005, HP:0000090.
Meckel-Gruber syndrome. Also called: DYSENCEPHALIA SPLANCHNOCYSTICA; GRUBER SYNDROME; Dysencephalia splachnocystica. Identifiers: Orphanet 564, MedGen C0265215, MONDO:0018921.
Joubert syndrome. Also called: CEREBELLOPARENCHYMAL DISORDER IV; JOUBERT-BOLTSHAUSER SYNDROME; Familial aplasia of the vermis. Identifiers: Orphanet 475, MedGen C5979921, MONDO:0018772.

Allele frequency attached by ClinVar (database versions not stated): gnomAD 0.00001; TOPMed 0.00001.
gnomAD v4.1: 10 of 1,592,546 alleles (0.00063%); highest among the groups gnomAD compares: South Asian, 0.0023%; no homozygotes.

Submissions (2):

Labcorp Genetics (formerly Invitae), Labcorp
Classification: Likely benign for Joubert syndrome; Meckel-Gruber syndrome; Nephronophthisis. Last evaluated: 2026-01-28. Review status: criteria provided, single submitter. Criteria: Invitae Variant Classification Sherloc (09022015). Collection method: clinical testing. Allele origin: germline.

PreventionGenetics, part of Exact Sciences
Classification: Likely benign for CEP290-related condition. Last evaluated: 2023-05-19. Review status: no assertion criteria provided. Collection method: clinical testing. Allele origin: germline. Not counted in ClinVar's aggregate classification.
Comment: This variant is classified as likely benign based on ACMG/AMP sequence variant interpretation guidelines (Richards et al. 2015 PMID: 25741868, with internal and published modifications).